The following is an entry in ClinVar:

NM_032607.3(CREB3L3):c.370C>T (p.Leu124Phe)

Gene: CREB3L3 (cAMP responsive element binding protein 3 like 3; plus strand). Cytogenetic location: 19p13.3.
Variant type: single nucleotide variant.
Coding change: c.370C>T on transcript NM_032607.3 (MANE Select); coding-DNA position 370, C replaced by T.
Protein change: p.Leu124Phe; replaces leucine 124 with phenylalanine.
Molecular consequence: missense variant.
Genome position (GRCh38, 1-based): chr19:4,157,208, C>T. VCF-style: chr19-4157208-C-T. GRCh37 (hg19) VCF-style: chr19-4157205-C-T.
Other names: c.367C>T, p.Leu123Phe (NM_001271995.2); c.370C>T, p.Leu124Phe (NM_001271996.2, NM_001271997.2); short protein forms L123F, L124F.
Identifiers: ClinVar variation 1928361 (VCV001928361.5), dbSNP rs996399895, ClinGen allele CA304461976.

ClinVar aggregate classification (germline): Uncertain significance (1 of 4 stars; one submission).

Allele frequency attached by ClinVar (database versions not stated): gnomAD 0.00001; gnomAD exomes 0.00001; TOPMed 0.00001.
gnomAD v4.1: 12 of 1,613,992 alleles (0.00074%); highest among the groups gnomAD compares: Non-Finnish European, 0.00085%; no homozygotes.

Submission:

Labcorp Genetics (formerly Invitae), Labcorp
Classification: Uncertain significance. Last evaluated: 2024-10-15. Review status: criteria provided, single submitter. Criteria: Invitae Variant Classification Sherloc (09022015). Collection method: clinical testing. Allele origin: germline.
Comment: This sequence change replaces leucine, which is neutral and non-polar, with phenylalanine, which is neutral and non-polar, at codon 124 of the CREB3L3 protein (p.Leu124Phe). This variant is present in population databases (no rsID available, gnomAD 0.002%). This variant has not been reported in the literature in individuals affected with CREB3L3-related conditions. ClinVar contains an entry for this variant (Variation ID: 1928361). Invitae Evidence Modeling of protein sequence and biophysical properties (such as structural, functional, and spatial information, amino acid conservation, physicochemical variation, residue mobility, and thermodynamic stability) indicates that this missense variant is not expected to disrupt CREB3L3 protein function with a negative predictive value of 80%. In summary, the available evidence is currently insufficient to determine the role of this variant in disease. Therefore, it has been classified as a Variant of Uncertain Significance.